The following is an entry in ClinVar:

ClinVar aggregate classification (germline): Conflicting classifications of pathogenicity. Review status: criteria provided, conflicting classifications (1 of 4 stars). 2 submissions from 2 submitters: Pathogenic (1); Uncertain significance (1). Last evaluated 2025-11-25.

Conditions:
Citrullinemia. Identifiers: Orphanet 187, MedGen C0175683, MONDO:0015991.

Allele frequency attached by ClinVar (database versions not stated): TOPMed 0.00001; gnomAD exomes 0.00001; ESP Exome Variant Server 0.00008; ExAC 0.00001.
gnomAD v4.1: 9 of 1,614,004 alleles (0.00056%); highest among the groups gnomAD compares: Non-Finnish European, 0.00076%; no homozygotes.

Submissions (2):

Labcorp Genetics (formerly Invitae), Labcorp
Classification: Pathogenic for Citrullinemia. Last evaluated: 2025-11-25. Review status: criteria provided, single submitter. Criteria: Invitae Variant Classification Sherloc (09022015). Collection method: clinical testing. Allele origin: germline.
Comment: This sequence change replaces glutamic acid, which is acidic and polar, with glycine, which is neutral and non-polar, at codon 298 of the ASS1 protein (p.Glu298Gly). This variant is present in population databases (rs372061654, gnomAD 0.002%). This missense change has been observed in individual(s) with citrullinemia type I (internal data). In at least one individual the data is consistent with being in trans (on the opposite chromosome) from a pathogenic variant. ClinVar contains an entry for this variant (Variation ID: 92377). Invitae Evidence Modeling of protein sequence and biophysical properties (such as structural, functional, and spatial information, amino acid conservation, physicochemical variation, residue mobility, and thermodynamic stability) indicates that this missense variant is expected to disrupt ASS1 protein function with a positive predictive value of 80%. This variant disrupts the p.Glu298 amino acid residue in ASS1. Other variant(s) that disrupt this residue have been observed in individuals with ASS1-related conditions (PMID: 23099195, 23246278), which suggests that this may be a clinically significant amino acid residue. For these reasons, this variant has been classified as Pathogenic.

Eurofins Ntd Llc (ga)
Classification: Uncertain significance. Last evaluated: 2012-10-08. Review status: criteria provided, single submitter. Criteria: EGL Classification Definitions 2015. Collection method: clinical testing. Allele origin: germline. Observed: 1 variant allele, 1 heterozygote.

Literature cited by the submitters: PubMed 23099195 (cited by Labcorp Genetics (formerly Invitae), Labcorp); PubMed 23246278 (cited by Labcorp Genetics (formerly Invitae), Labcorp).

NM_054012.4(ASS1):c.893A>G (p.Glu298Gly)

Gene: ASS1 (argininosuccinate synthase 1; plus strand). Cytogenetic location: 9q34.11.
Variant type: single nucleotide variant.
Coding change: c.893A>G on transcript NM_054012.4 (MANE Select); coding-DNA position 893, A replaced by G.
Protein change: p.Glu298Gly; replaces glutamic acid 298 with glycine.
Molecular consequence: missense variant.
Genome position (GRCh38, 1-based): chr9:130,489,387, A>G. VCF-style: chr9-130489387-A-G. GRCh37 (hg19) VCF-style: chr9-133364774-A-G.
Other names: c.893A>G, p.Glu298Gly (NM_000050.4); short protein forms E298G.
Identifiers: ClinVar variation 92377 (VCV000092377.9), dbSNP rs372061654, ClinGen allele CA220298.
Genomic context (GRCh38, chr9:130,489,387, plus strand): 5'-GGCTAGGTATCTACGAGACCCCAGCAGGCACCATCCTTTACCATGCTCATTTAGACATCG[A>G]GGCCTTCACCATGGACCGGGAAGTGCGCAAAATCAAACAAGGCCTGGGCTTGAAATTTGC-3'
Protein context (NP_446464.1, residues 288-308): TILYHAHLDI[Glu298Gly]AFTMDREVRK